The following is an entry in ClinVar:

NM_001394998.1(TANC2):c.3161A>G (p.Gln1054Arg)

Genes: TANC2 (tetratricopeptide repeat, ankyrin repeat and coiled-coil containing 2; plus strand), LOC105371856 (uncharacterized LOC105371856; minus strand). Cytogenetic location: 17q23.3.
Variant type: single nucleotide variant.
Coding change: c.3161A>G on transcript NM_001394998.1 (MANE Select); coding-DNA position 3161, A replaced by G.
Protein change: p.Gln1054Arg; replaces glutamine 1054 with arginine.
Molecular consequence: missense variant.
Genome position (GRCh38, 1-based): chr17:63,395,852, A>G. VCF-style: chr17-63395852-A-G. GRCh37 (hg19) VCF-style: chr17-61473213-A-G.
Other names: c.2939A>G, p.Gln980Arg (NM_001411076.1, NM_025185.4); short protein forms Q1054R, Q980R.
Identifiers: ClinVar variation 2593094 (VCV002593094.20), dbSNP rs367676849, ClinGen allele CA8697930.
Genomic context (GRCh38, chr17:63,395,852, plus strand): 5'-TCCGAGGTCATCTGGAGGTTGTCAAGTTTTTGATTCAGTGTGACTGGACGATGGCCGGCC[A>G]GCAGCAAGGAGTATTTAAGAAGAGCCATGCCATCCAACAGGCCCTCATTGCTGCAGCCAG-3'
Protein context (NP_001381927.1, residues 1044-1064): LIQCDWTMAG[Gln1054Arg]QQGVFKKSHA

ClinVar aggregate classification (germline): Uncertain significance. Review status: criteria provided, multiple submitters, no conflicts (2 of 4 stars). 3 submissions from 3 submitters: Uncertain significance (3). Last evaluated 2024-09-01.

Conditions:
Intellectual developmental disorder with autistic features and language delay, with or without seizures. Identifiers: MedGen C5394447, MONDO:0030051, OMIM 618906.
Inborn genetic diseases. Identifiers: MedGen C0950123, MeSH D030342.

Allele frequency attached by ClinVar (database versions not stated): ExAC 0.00001; gnomAD 0.00001; gnomAD exomes 0.00001; TOPMed 0.00001; ESP Exome Variant Server 0.00008.
gnomAD v4.1: 13 of 1,611,754 alleles (0.00081%); highest among the groups gnomAD compares: Middle Eastern, 0.016%; no homozygotes.

Submissions (3):

CeGaT Center for Human Genetics Tuebingen
Classification: Uncertain significance. Last evaluated: 2024-09-01. Review status: criteria provided, single submitter. Criteria: CeGaT Center For Human Genetics Tuebingen Variant Classification Criteria Version 2. Collection method: clinical testing. Allele origin: germline. Affected: yes. Observed: 1 variant allele.
Comment: TANC2: PM2

Ambry Genetics
Classification: Uncertain significance for Inborn genetic diseases. Last evaluated: 2023-06-23. Review status: criteria provided, single submitter. Criteria: Ambry Variant Classification Scheme 2023. Collection method: clinical testing. Allele origin: germline.

Revvity Omics, Revvity
Classification: Uncertain significance for Intellectual developmental disorder with autistic features and language delay, with or without seizures. Last evaluated: 2023-02-14. Review status: criteria provided, single submitter. Criteria: ACMG Guidelines, 2015. Collection method: clinical testing. Allele origin: germline.